The following is an entry in ClinVar:

NM_032608.7(MYO18B):c.3881G>A (p.Arg1294Lys)

Gene: MYO18B (myosin XVIIIB; plus strand). Cytogenetic location: 22q12.1.
Variant type: single nucleotide variant.
Coding change: c.3881G>A on transcript NM_032608.7 (MANE Select); coding-DNA position 3881, G replaced by A.
Protein change: p.Arg1294Lys; replaces arginine 1294 with lysine.
Molecular consequence: missense variant.
Genome position (GRCh38, 1-based): chr22:25,851,575, G>A. VCF-style: chr22-25851575-G-A. GRCh37 (hg19) VCF-style: chr22-26247542-G-A.
Other names: c.3884G>A, p.Arg1295Lys (NM_001318245.2); short protein forms R1295K, R1294K.
Identifiers: ClinVar variation 1482162 (VCV001482162.8), dbSNP rs1041975478, ClinGen allele CA411002936.

ClinVar aggregate classification (germline): Uncertain significance (1 of 4 stars; one submission).

gnomAD v4.1: 3 of 1,553,034 alleles (0.00019%); highest among the groups gnomAD compares: East Asian, 0.0024%; no homozygotes.

Submission:

Labcorp Genetics (formerly Invitae), Labcorp
Classification: Uncertain significance. Last evaluated: 2022-06-13. Review status: criteria provided, single submitter. Criteria: Invitae Variant Classification Sherloc (09022015). Collection method: clinical testing. Allele origin: germline.
Comment: This sequence change replaces arginine, which is basic and polar, with lysine, which is basic and polar, at codon 1294 of the MYO18B protein (p.Arg1294Lys). This variant is not present in population databases (gnomAD no frequency). This variant has not been reported in the literature in individuals affected with MYO18B-related conditions. Algorithms developed to predict the effect of missense changes on protein structure and function output the following: SIFT: "Not Available"; PolyPhen-2: "Benign"; Align-GVGD: "Not Available". The lysine amino acid residue is found in multiple mammalian species, which suggests that this missense change does not adversely affect protein function. In summary, the available evidence is currently insufficient to determine the role of this variant in disease. Therefore, it has been classified as a Variant of Uncertain Significance.